The following is an entry in ClinVar:

ClinVar aggregate classification (germline): Uncertain significance (1 of 4 stars; one submission).

Submission:

GeneDx
Classification: Uncertain significance. Last evaluated: 2019-10-13. Review status: criteria provided, single submitter. Criteria: GeneDx Variant Classification Process June 2021. Collection method: clinical testing. Allele origin: germline. Affected: yes.
Comment: Not observed in large population cohorts (Lek et al., 2016); In silico analysis, which includes protein predictors and evolutionary conservation, supports a deleterious effect; Has not been previously published as pathogenic or benign to our knowledge

NM_001001331.4(ATP2B2):c.485T>C (p.Ile162Thr)

Gene: ATP2B2 (ATPase plasma membrane Ca2+ transporting 2; minus strand). Cytogenetic location: 3p25.3.
Variant type: single nucleotide variant.
Coding change: c.485T>C on transcript NM_001001331.4 (MANE Select); coding-DNA position 485, T replaced by C.
Protein change: p.Ile162Thr; replaces isoleucine 162 with threonine.
Molecular consequence: missense variant.
Genome position (GRCh38, 1-based): chr3:10,402,261, A>G on the plus strand (T>C on the coding strand, the complement: ATP2B2 is on the minus strand). VCF-style: chr3-10402261-A-G. GRCh37 (hg19) VCF-style: chr3-10443945-A-G.
Other names: c.485T>C, p.Ile162Thr (NM_001330611.3, NM_001353564.1, NM_001363862.1 and 1 more transcripts); short protein forms I162T.
Identifiers: ClinVar variation 1309219 (VCV001309219.2), dbSNP rs2062247663, ClinGen allele CA351775928.
Genomic context (GRCh38, chr3:10,402,261, plus strand): 5'-AGGCCCCGGAACTGTTTCTCTTTGCTCCAGTCATTGAAGGCCGTGACCAGGACCACACAG[A>G]TAACTGAGAGGAGAATGGCGGCCCCCTCGATCCAACCTGCCTCTGCCTCTCCTTCATCCT-3'
Protein context (NP_001001331.1, residues 152-172): IEGAAILLSV[Ile162Thr]CVVLVTAFND